The following is an entry in ClinVar:

NM_003896.4(ST3GAL5):c.389C>T (p.Ala130Val)

Gene: ST3GAL5 (ST3 beta-galactoside alpha-2,3-sialyltransferase 5; minus strand). Cytogenetic location: 2p11.2.
Variant type: single nucleotide variant.
Coding change: c.389C>T on transcript NM_003896.4 (MANE Select); coding-DNA position 389, C replaced by T.
Protein change: p.Ala130Val; replaces alanine 130 with valine.
Molecular consequence: missense variant. On other transcripts: 5 prime UTR variant (1).
Genome position (GRCh38, 1-based): chr2:85,848,134, G>A on the plus strand (C>T on the coding strand, the complement: ST3GAL5 is on the minus strand). VCF-style: chr2-85848134-G-A. GRCh37 (hg19) VCF-style: chr2-86075257-G-A.
Other names: c.320C>T, p.Ala107Val (NM_001042437.2); c.5C>T, p.Ala2Val (NM_001354223.2, NM_001354224.2, NM_001354226.2 and 3 more transcripts); c.305C>T, p.Ala102Val (NM_001354227.2, NM_001354229.2, NM_001354238.1); c.-516C>T (NM_001354247.1); c.389C>T, p.Ala130Val (NM_001363847.1); short protein forms A102V, A107V, A2V, A130V.
Identifiers: ClinVar variation 695779 (VCV000695779.50), dbSNP rs140019292, ClinGen allele CA1745050.
Genomic context (GRCh38, chr2:85,848,134, plus strand): 5'-TTGGGGGCCTTCTGCACAAAAGGGAGTAAGTCCACGCTATACCTGTGCTCAAATAACAGC[G>A]CCATTGATGTCTTGGCAAACTTGGGACGACATTCCTTCTGCAAGACTTGCTGAGCATATT-3'
Protein context (NP_003887.3, residues 120-140): CRPKFAKTSM[Ala130Val]LLFEHRYSVD

ClinVar aggregate classification (germline): Conflicting classifications of pathogenicity. Review status: criteria provided, conflicting classifications (1 of 4 stars). 6 submissions from 6 submitters: Uncertain significance (1); Benign (1); Likely benign (4). Last evaluated 2026-01-09.

Conditions:
Inborn genetic diseases. Identifiers: MedGen C0950123, MeSH D030342.
GM3 synthase deficiency (SPDRS). Also called: SALT AND PEPPER MENTAL RETARDATION SYNDROME; SALT AND PEPPER DEVELOPMENTAL REGRESSION SYNDROME; AMISH INFANTILE EPILEPSY SYNDROME. Identifiers: Orphanet 171714, Orphanet 370933, MedGen C1836824, MONDO:0018274, OMIM 609056.

Allele frequency attached by ClinVar (database versions not stated): gnomAD exomes 0.00042 and 0.00082; gnomAD 0.00044 and 0.00045; TOPMed 0.00051; ExAC 0.00066; ESP Exome Variant Server 0.00092.
gnomAD v4.1: 741 of 1,614,176 alleles (0.046%); highest among the groups gnomAD compares: Middle Eastern, 0.31%; 4 homozygotes.

Submissions (6):

Labcorp Genetics (formerly Invitae), Labcorp
Classification: Likely benign for GM3 synthase deficiency. Last evaluated: 2026-01-09. Review status: criteria provided, single submitter. Criteria: Invitae Variant Classification Sherloc (09022015). Collection method: clinical testing. Allele origin: germline.

Athena Diagnostics
Classification: Benign. Last evaluated: 2025-04-14. Review status: criteria provided, single submitter. Criteria: Athena Diagnostics Criteria. Collection method: clinical testing. Allele origin: unknown.
Comment: The frequency of this variant in the general population is higher than would generally be expected for pathogenic variants in this gene.

Blueprint Genetics
Classification: Likely benign. Last evaluated: 2024-10-14. Review status: criteria provided, single submitter. Criteria: ACMG Guidelines, 2015. Collection method: clinical testing. Allele origin: germline.

Ambry Genetics
Classification: Likely benign for Inborn genetic diseases. Last evaluated: 2022-04-28. Review status: criteria provided, single submitter. Criteria: Ambry Variant Classification Scheme 2023. Collection method: clinical testing. Allele origin: germline.

CeGaT Center for Human Genetics Tuebingen
Classification: Likely benign. Last evaluated: 2022-02-01. Review status: criteria provided, single submitter. Criteria: CeGaT Center For Human Genetics Tuebingen Variant Classification Criteria Version 2. Collection method: clinical testing. Allele origin: germline. Affected: yes. Observed: 1 variant allele.

Illumina Laboratory Services, Illumina
Classification: Uncertain significance for GM3 synthase deficiency. Last evaluated: 2018-01-12. Review status: criteria provided, single submitter. Criteria: ICSL Variant Classification Criteria 13 December 2019. Collection method: clinical testing. Allele origin: germline.